The following is an entry in ClinVar:

NM_001130987.2(DYSF):c.5086G>T (p.Glu1696Ter)

Gene: DYSF (dysferlin; plus strand). Cytogenetic location: 2p13.2.
Variant type: single nucleotide variant.
Coding change: c.5086G>T on transcript NM_001130987.2 (MANE Select); coding-DNA position 5086, G replaced by T.
Protein change: p.Glu1696Ter; replaces glutamic acid 1696 with a stop codon.
Molecular consequence: nonsense.
Genome position (GRCh38, 1-based): chr2:71,664,350, G>T. VCF-style: chr2-71664350-G-T. GRCh37 (hg19) VCF-style: chr2-71891480-G-T.
Other names: c.4972G>T, p.Glu1658Ter (NM_001130455.2); c.4927G>T, p.Glu1643Ter (NM_001130976.2); c.4990G>T, p.Glu1664Ter (NM_001130977.2); c.5032G>T, p.Glu1678Ter (NM_001130978.2); c.5062G>T, p.Glu1688Ter (NM_001130979.2); c.5020G>T, p.Glu1674Ter (NM_001130980.2); c.5083G>T, p.Glu1695Ter (NM_001130981.2); c.5065G>T, p.Glu1689Ter (NM_001130982.2); and 5 more; short protein forms E1657*, E1696*, E1664*, E1678*, E1679*, E1695*, E1643*, E1644*.
Identifiers: ClinVar variation 574059 (VCV000574059.7), dbSNP rs368142107, ClinGen allele CA347220391.

ClinVar aggregate classification (germline): Pathogenic. Review status: criteria provided, multiple submitters, no conflicts (2 of 4 stars). 2 submissions from 2 submitters: Pathogenic (2). Last evaluated 2025-09-30.

Conditions:
Autosomal recessive limb-girdle muscular dystrophy. Identifiers: Orphanet 102015, MedGen C2931907, MONDO:0015152.
Neuromuscular disease caused by qualitative or quantitative defects of dysferlin. Also called: Dysferlinopathy; Qualitative or quantitative defects of dysferlin. Identifiers: Orphanet 207073, MedGen C2931687, MONDO:0016145.

Submissions (2):

Myriad Genetics, Inc.
Classification: Pathogenic for Autosomal recessive limb-girdle muscular dystrophy. Last evaluated: 2025-09-30. Review status: criteria provided, single submitter. Criteria: Myriad Autosomal Dominant, Autosomal Recessive and X-Linked Classification Criteria (2023). Collection method: clinical testing. Allele origin: unknown.
Comment: NM_003494.3(DYSF):c.4969G>T(E1657*) is expected to be pathogenic in the context of dysferlinopathy. This variant is predicted to lead to an abnormal or absent protein product due to the creation of a premature termination codon in DYSF, a gene where loss-of-function variants are known to be pathogenic. Please note: this variant was assessed in the context of healthy population screening.

Labcorp Genetics (formerly Invitae), Labcorp
Classification: Pathogenic for Neuromuscular disease caused by qualitative or quantitative defects of dysferlin. Last evaluated: 2018-05-21. Review status: criteria provided, single submitter. Criteria: Invitae Variant Classification Sherloc (09022015). Collection method: clinical testing. Allele origin: germline.
Comment: For these reasons, this variant has been classified as Pathogenic. Loss-of-function variants in DYSF are known to be pathogenic (PMID: 17698709, 20301480). This variant has not been reported in the literature in individuals with DYSF-related disease. This variant is not present in population databases (ExAC no frequency). This sequence change creates a premature translational stop signal (p.Glu1657*) in the DYSF gene. It is expected to result in an absent or disrupted protein product.

Literature cited by the submitters: PubMed 17698709 (cited by Labcorp Genetics (formerly Invitae), Labcorp); PubMed 20301480 (cited by Labcorp Genetics (formerly Invitae), Labcorp).